The following is an entry in ClinVar:

ClinVar aggregate classification (germline): Uncertain significance. Review status: criteria provided, multiple submitters, no conflicts (2 of 4 stars). 3 submissions from 3 submitters: Uncertain significance (3). Last evaluated 2024-03-19.

Conditions:
Inborn genetic diseases. Identifiers: MedGen C0950123, MeSH D030342.
3-methylglutaconic aciduria type 1 (MGCA1). Identifiers: Orphanet 67046, MedGen C0342727, MONDO:0009610, OMIM 250950.

Allele frequency attached by ClinVar (database versions not stated): TOPMed 0.00004; gnomAD exomes 0.00004 and 0.00003; ExAC 0.00006; gnomAD 0.00003.
gnomAD v4.1: 49 of 1,614,140 alleles (0.003%); highest among the groups gnomAD compares: Non-Finnish European, 0.0041%; 1 homozygote.

Submissions (3):

Mayo Clinic Laboratories, Mayo Clinic
Classification: Uncertain significance. Last evaluated: 2024-03-19. Review status: criteria provided, single submitter. Criteria: ACMG Guidelines, 2015. Collection method: clinical testing. Allele origin: germline. Observed: 1 variant allele.
Comment: BP4

Ambry Genetics
Classification: Uncertain significance for Inborn genetic diseases. Last evaluated: 2022-08-08. Review status: criteria provided, single submitter. Criteria: Ambry Variant Classification Scheme 2023. Collection method: clinical testing. Allele origin: germline.

Labcorp Genetics (formerly Invitae), Labcorp
Classification: Uncertain significance for 3-methylglutaconic aciduria type 1. Last evaluated: 2021-12-03. Review status: criteria provided, single submitter. Criteria: Invitae Variant Classification Sherloc (09022015). Collection method: clinical testing. Allele origin: germline.
Comment: This sequence change replaces lysine, which is basic and polar, with arginine, which is basic and polar, at codon 249 of the AUH protein (p.Lys249Arg). This variant is present in population databases (rs752072326, gnomAD 0.008%). This variant has not been reported in the literature in individuals affected with AUH-related conditions. Algorithms developed to predict the effect of missense changes on protein structure and function (SIFT, PolyPhen-2, Align-GVGD) all suggest that this variant is likely to be tolerated. In summary, the available evidence is currently insufficient to determine the role of this variant in disease. Therefore, it has been classified as a Variant of Uncertain Significance.

NM_001698.3(AUH):c.746A>G (p.Lys249Arg)

Gene: AUH (AU RNA binding methylglutaconyl-CoA hydratase; minus strand). Cytogenetic location: 9q22.31.
Variant type: single nucleotide variant.
Coding change: c.746A>G on transcript NM_001698.3 (MANE Select); coding-DNA position 746, A replaced by G.
Protein change: p.Lys249Arg; replaces lysine 249 with arginine.
Molecular consequence: missense variant.
Genome position (GRCh38, 1-based): chr9:91,220,902, T>C on the plus strand (A>G on the coding strand, the complement: AUH is on the minus strand). VCF-style: chr9-91220902-T-C. GRCh37 (hg19) VCF-style: chr9-93983184-T-C.
Other names: p.Lys249Arg; c.659A>G, p.Lys220Arg (NM_001306190.2); c.419A>G, p.Lys140Arg (NM_001351431.2, NM_001351432.2, NM_001351433.2); c.746A>G (NM_001698.2); short protein forms K220R, K140R, K249R.
Identifiers: ClinVar variation 1345856 (VCV001345856.5), dbSNP rs752072326, ClinGen allele CA5119743.